The following is an entry in ClinVar:

NM_000038.6(APC):c.7245A>G (p.Glu2415=)

Gene: APC (APC regulator of Wnt signaling pathway; plus strand). Cytogenetic location: 5q22.2.
Variant type: single nucleotide variant.
Coding change: c.7245A>G on transcript NM_000038.6 (MANE Select); coding-DNA position 7245, A replaced by G.
Protein change: p.Glu2415=; no amino-acid change (glutamic acid 2415 retained).
Molecular consequence: synonymous variant.
Genome position (GRCh38, 1-based): chr5:112,842,839, A>G. VCF-style: chr5-112842839-A-G. GRCh37 (hg19) VCF-style: chr5-112178536-A-G.
Other names: c.7245A>G, p.Glu2415= (NM_001127510.3, NM_001354895.2); c.7191A>G, p.Glu2397= (NM_001127511.3); c.7299A>G, p.Glu2433= (NM_001354896.2); c.7275A>G, p.Glu2425= (NM_001354897.2); c.7170A>G, p.Glu2390= (NM_001354898.2); c.7161A>G, p.Glu2387= (NM_001354899.2); c.7122A>G, p.Glu2374= (NM_001354900.2); c.7068A>G, p.Glu2356= (NM_001354901.2); and 5 more.
Identifiers: ClinVar variation 470085 (VCV000470085.13), dbSNP rs1554088172, ClinGen allele CA446210216.

ClinVar aggregate classification (germline): Benign/Likely benign. Review status: criteria provided, multiple submitters, no conflicts (2 of 4 stars). 3 submissions from 3 submitters: Benign (1); Likely benign (2). Last evaluated 2024-04-09.

Conditions:
Familial adenomatous polyposis 1 (FAP1). Also called: POLYPOSIS, ADENOMATOUS INTESTINAL; FAMILIAL ADENOMATOUS POLYPOSIS 1, ATTENUATED. Identifiers: MedGen C2713442, MONDO:0021056, OMIM 175100. Disease mechanism: loss of function.
Hereditary cancer-predisposing syndrome. Also called: Hereditary neoplastic syndrome; Neoplastic Syndromes, Hereditary; Tumor predisposition; Hereditary Cancer Syndrome. Identifiers: Orphanet 140162, MedGen C0027672, MeSH D009386, MONDO:0015356.

Allele frequency attached by ClinVar (database versions not stated): gnomAD exomes below 0.00001.
gnomAD v4.1: 2 of 1,613,882 alleles (0.00012%); no homozygotes.

Submissions (3):

Myriad Genetics, Inc.
Classification: Benign for Familial adenomatous polyposis 1. Last evaluated: 2024-04-09. Review status: criteria provided, single submitter. Criteria: Myriad Autosomal Dominant, Autosomal Recessive and X-Linked Classification Criteria (2023). Collection method: clinical testing. Allele origin: unknown.
Comment: This variant is considered benign. This variant is a silent/synonymous amino acid change and it is not expected to impact splicing.

Labcorp Genetics (formerly Invitae), Labcorp
Classification: Likely benign for Familial adenomatous polyposis 1. Last evaluated: 2023-03-01. Review status: criteria provided, single submitter. Criteria: Invitae Variant Classification Sherloc (09022015). Collection method: clinical testing. Allele origin: germline.

Ambry Genetics
Classification: Likely benign for Hereditary cancer-predisposing syndrome. Last evaluated: 2022-11-27. Review status: criteria provided, single submitter. Criteria: Ambry Variant Classification Scheme 2023. Collection method: clinical testing. Allele origin: germline.